The following is an entry in ClinVar:

NM_199420.4(POLQ):c.6231A>C (p.Glu2077Asp)

Gene: POLQ (DNA polymerase theta; minus strand). Cytogenetic location: 3q13.33.
Variant type: single nucleotide variant.
Coding change: c.6231A>C on transcript NM_199420.4 (MANE Select); coding-DNA position 6231, A replaced by C.
Protein change: p.Glu2077Asp; replaces glutamic acid 2077 with aspartic acid.
Molecular consequence: missense variant.
Genome position (GRCh38, 1-based): chr3:121,476,714, T>G on the plus strand (A>C on the coding strand, the complement: POLQ is on the minus strand). VCF-style: chr3-121476714-T-G. GRCh37 (hg19) VCF-style: chr3-121195561-T-G.
Other names: short protein forms E2077D.
Identifiers: ClinVar variation 1752340 (VCV001752340.2), dbSNP rs2546777276, ClinGen allele CA354087157.

ClinVar aggregate classification (germline): Uncertain significance (1 of 4 stars; one submission).

Submission:

Ambry Genetics
Classification: Uncertain significance. Last evaluated: 2022-06-15. Review status: criteria provided, single submitter. Criteria: Ambry Variant Classification Scheme 2023. Collection method: clinical testing. Allele origin: germline.
Comment: The p.E2077D variant (also known as c.6231A>C), located in coding exon 20 of the POLQ gene, results from an A to C substitution at nucleotide position 6231. The glutamic acid at codon 2077 is replaced by aspartic acid, an amino acid with highly similar properties. This amino acid position is conserved. In addition, the in silico prediction for this alteration is inconclusive. Since supporting evidence is limited at this time, the clinical significance of this alteration remains unclear.